The following is an entry in ClinVar:

NM_004994.3(MMP9):c.764G>A (p.Trp255Ter)

Gene: MMP9 (matrix metallopeptidase 9; plus strand). Cytogenetic location: 20q13.12.
Variant type: single nucleotide variant.
Coding change: c.764G>A on transcript NM_004994.3 (MANE Select); coding-DNA position 764, G replaced by A.
Protein change: p.Trp255Ter; replaces tryptophan 255 with a stop codon.
Molecular consequence: nonsense.
Genome position (GRCh38, 1-based): chr20:46,011,257, G>A. VCF-style: chr20-46011257-G-A. GRCh37 (hg19) VCF-style: chr20-44639896-G-A.
Other names: short protein forms W255*.
Identifiers: ClinVar variation 2920385 (VCV002920385.3), dbSNP rs2515612519, ClinGen allele CA409213739.

ClinVar aggregate classification (germline): Uncertain significance (1 of 4 stars; one submission).

Submission:

Labcorp Genetics (formerly Invitae), Labcorp
Classification: Uncertain significance. Last evaluated: 2023-11-24. Review status: criteria provided, single submitter. Criteria: Invitae Variant Classification Sherloc (09022015). Collection method: clinical testing. Allele origin: germline.
Comment: This sequence change creates a premature translational stop signal (p.Trp255*) in the MMP9 gene. It is expected to result in an absent or disrupted protein product. However, the current clinical and genetic evidence is not sufficient to establish whether loss-of-function variants in MMP9 cause disease. This variant is not present in population databases (gnomAD no frequency). This variant has not been reported in the literature in individuals affected with MMP9-related conditions. In summary, the available evidence is currently insufficient to determine the role of this variant in disease. Therefore, it has been classified as a Variant of Uncertain Significance.